The following is an entry in ClinVar:

NM_024675.4(PALB2):c.157G>C (p.Glu53Gln)

Gene: PALB2 (partner and localizer of BRCA2; minus strand). Cytogenetic location: 16p12.2.
Variant type: single nucleotide variant.
Coding change: c.157G>C on transcript NM_024675.4 (MANE Select); coding-DNA position 157, G replaced by C.
Protein change: p.Glu53Gln; replaces glutamic acid 53 with glutamine.
Molecular consequence: missense variant.
Genome position (GRCh38, 1-based): chr16:23,637,904, C>G on the plus strand (G>C on the coding strand, the complement: PALB2 is on the minus strand). VCF-style: chr16-23637904-C-G. GRCh37 (hg19) VCF-style: chr16-23649225-C-G.
Other names: c.97G>C, p.Glu33Gln (NM_001407296.1); c.157G>C, p.Glu53Gln (NM_001407297.1, NM_001407298.1, NM_001407299.1 and 3 more transcripts); c.-729G>C (NM_001407304.1, NM_001407305.1, NM_001407306.1 and 5 more transcripts); short protein forms E33Q, E53Q.
Identifiers: ClinVar variation 1775666 (VCV001775666.2), dbSNP rs1184603042, ClinGen allele CA395139227.

ClinVar aggregate classification (germline): Uncertain significance (1 of 4 stars; one submission).

Conditions:
Hereditary cancer-predisposing syndrome. Also called: Neoplastic Syndromes, Hereditary; Tumor predisposition; Hereditary Cancer Syndrome; Hereditary neoplastic syndrome. Identifiers: Orphanet 140162, MedGen C0027672, MeSH D009386, MONDO:0015356.

Submission:

Ambry Genetics
Classification: Uncertain significance for Hereditary cancer-predisposing syndrome. Last evaluated: 2022-09-20. Review status: criteria provided, single submitter. Criteria: Ambry Variant Classification Scheme 2023. Collection method: clinical testing. Allele origin: germline.
Comment: The p.E53Q variant (also known as c.157G>C), located in coding exon 3 of the PALB2 gene, results from a G to C substitution at nucleotide position 157. The glutamic acid at codon 53 is replaced by glutamine, an amino acid with highly similar properties. This amino acid position is well conserved in available vertebrate species. In addition, this alteration is predicted to be tolerated by in silico analysis. Since supporting evidence is limited at this time, the clinical significance of this alteration remains unclear.